The following is an entry in ClinVar:

ClinVar aggregate classification (germline): Pathogenic (1 of 4 stars; one submission).

Conditions:
Cornelia de Lange syndrome 1 (CDLS1). Also called: TYPUS DEGENERATIVUS AMSTELODAMENSIS; Brachmann de Lange syndrome; NIPBL-Related Cornelia de Lange Syndrome. Identifiers: Orphanet 199, MedGen C4551851, MONDO:0007387, OMIM 122470.

Submission:

Juno Genomics, Hangzhou Juno Genomics, Inc
Classification: Pathogenic for Cornelia de Lange syndrome 1. Review status: criteria provided, single submitter. Criteria: ACMG Guidelines, 2015. Collection method: clinical testing. Allele origin: germline.
Comment: Absent from controls (or at extremely low frequency if recessive) in Genome Aggregation Database.;Null variant in a gene where loss of function (LOF) is a known mechanism of disease.;De novo (both maternity and paternity confirmed) in a patient with the disease and no family history.

NM_133433.4(NIPBL):c.6468del (p.Phe2156fs)

Gene: NIPBL (NIPBL cohesin loading factor; plus strand). Cytogenetic location: 5p13.2.
Variant type: Deletion.
Coding change: c.6468del on transcript NM_133433.4 (MANE Select); coding-DNA position 6468, one base deleted (T; older notation c.6468delT).
Protein change: p.Phe2156fs; shifts the reading frame from phenylalanine 2156.
Molecular consequence: frameshift variant.
Genome position (GRCh38, 1-based): chr5:37,045,567, T deleted; the last of 4 consecutive T bases (chr5:37,045,564-37,045,567); deleting any one gives the same sequence. VCF-style (leftmost placement, unchanged base first): chr5-37045563-AT-A. GRCh37 (hg19) VCF-style: chr5-37045665-AT-A.
Other names: c.6468del, p.Phe2156fs (NM_001438586.1, NM_015384.5); short protein forms F2156fs.
Identifiers: ClinVar variation 5018571 (VCV005018571.2).
Genomic context (GRCh38, chr5:37,045,563, plus strand): 5'-CAAACAAACCAGCACTTCTTAGATCCCTTTTCACCGTTGGAGCACTATGTCGGCATTTTG[AT>A]TTTGATCTGGAAGATTTTAAAGGCAACAGCAAGGTAAAGGTAGTAATACTTAAAATGCTA-3'